The following is an entry in ClinVar:

ClinVar aggregate classification (germline): Uncertain significance (1 of 4 stars; one submission).

Conditions:
Neuropathy, hereditary sensory and autonomic, type 2A (HSAN2A). Also called: ACROOSTEOLYSIS, GIACCAI TYPE; ACROOSTEOLYSIS, NEUROGENIC; MORVAN DISEASE; NEUROPATHY, CONGENITAL SENSORY; NEUROPATHY, HEREDITARY SENSORY RADICULAR, AUTOSOMAL RECESSIVE; NEUROPATHY, HEREDITARY SENSORY, TYPE IIA. Identifiers: Orphanet 970, MedGen C2752089, MONDO:0024309, OMIM 201300.
Pseudohypoaldosteronism type 2C (PHA2C). Also called: Pseudohypoaldosteronism Type IIC. Identifiers: Orphanet 757, Orphanet 88940, MedGen C1840391, MONDO:0013778, OMIM 614492.

gnomAD v4.1: 5 of 1,614,026 alleles (0.00031%); highest among the groups gnomAD compares: East Asian, 0.0022%; no homozygotes.

Submission:

Labcorp Genetics (formerly Invitae), Labcorp
Classification: Uncertain significance for Neuropathy, hereditary sensory and autonomic, type 2A; Pseudohypoaldosteronism type 2C. Last evaluated: 2025-11-28. Review status: criteria provided, single submitter. Criteria: Invitae Variant Classification Sherloc (09022015). Collection method: clinical testing. Allele origin: germline.
Comment: This sequence change replaces arginine, which is basic and polar, with glutamine, which is neutral and polar, at codon 1352 of the WNK1 protein (p.Arg1352Gln). This variant is present in population databases (rs749290305, gnomAD 0.006%). This variant has not been reported in the literature in individuals affected with WNK1-related conditions. Invitae Evidence Modeling of protein sequence and biophysical properties (such as structural, functional, and spatial information, amino acid conservation, physicochemical variation, residue mobility, and thermodynamic stability) indicates that this missense variant is not expected to disrupt WNK1 protein function with a negative predictive value of 95%. In summary, the available evidence is currently insufficient to determine the role of this variant in disease. Therefore, it has been classified as a Variant of Uncertain Significance.

NM_018979.4(WNK1):c.3299G>A (p.Arg1100Gln)

Gene: WNK1 (WNK lysine deficient protein kinase 1; plus strand). Cytogenetic location: 12p13.33.
Variant type: single nucleotide variant.
Coding change: c.3299G>A on transcript NM_018979.4 (MANE Select); coding-DNA position 3299, G replaced by A.
Protein change: p.Arg1100Gln; replaces arginine 1100 with glutamine.
Molecular consequence: missense variant.
Genome position (GRCh38, 1-based): chr12:882,000, G>A. VCF-style: chr12-882000-G-A. GRCh37 (hg19) VCF-style: chr12-991166-G-A.
Other names: c.4079G>A, p.Arg1360Gln (NM_001184985.2); c.2558G>A, p.Arg853Gln (NM_014823.3); c.4055G>A, p.Arg1352Gln (NM_213655.5); short protein forms R853Q, R1100Q, R1352Q, R1360Q.
Identifiers: ClinVar variation 4794520 (VCV004794520.1).
Genomic context (GRCh38, chr12:882,000, plus strand): 5'-GTGATGGCAATGAGAACGTCCCATCTTCCAGTGGAAGGCATGAAGGAAGAACTACAAAAC[G>A]GCATTACCGAAAATCTGTAAGGAGTCGCTCTCGACATGAAAAAACTTCACGCCCAAAATT-3'
Protein context (NP_061852.3, residues 1090-1110): SGRHEGRTTK[Arg1100Gln]HYRKSVRSRS